The following is an entry in ClinVar:

NM_014921.5(ADGRL1):c.2398T>G (p.Trp800Gly)

Genes: ADGRL1 (adhesion G protein-coupled receptor L1; minus strand), ADGRL1-AS1 (ADGRL1 antisense RNA 1; plus strand). Cytogenetic location: 19p13.12.
Variant type: single nucleotide variant.
Coding change: c.2398T>G on transcript NM_014921.5 (MANE Select); coding-DNA position 2398, T replaced by G.
Protein change: p.Trp800Gly; replaces tryptophan 800 with glycine.
Molecular consequence: missense variant.
Genome position (GRCh38, 1-based): chr19:14,158,019, A>C on the plus strand (T>G on the coding strand, the complement: ADGRL1 is on the minus strand). VCF-style: chr19-14158019-A-C. GRCh37 (hg19) VCF-style: chr19-14268831-A-C.
Other names: c.2413T>G, p.Trp805Gly (NM_001008701.3); short protein forms W800G, W805G.
Identifiers: ClinVar variation 4891402 (VCV004891402.1).

ClinVar aggregate classification (germline): Uncertain significance (1 of 4 stars; one submission).

Submission:

GeneDx
Classification: Uncertain significance. Last evaluated: 2023-09-22. Review status: criteria provided, single submitter. Criteria: GeneDx Variant Classification Process June 2021. Collection method: clinical testing. Allele origin: germline.
Comment: Not observed at significant frequency in large population cohorts (gnomAD); In silico analysis supports that this missense variant has a deleterious effect on protein structure/function; Has not been previously published as pathogenic or benign to our knowledge; Variants in candidate genes are classified as variants of uncertain significance in accordance with ACMG guidelines (PMID: 25741868)